The following is an entry in ClinVar:

NM_206933.4(USH2A):c.6908C>T (p.Ser2303Phe)

Gene: USH2A (usherin; minus strand). Cytogenetic location: 1q41.
Variant type: single nucleotide variant.
Coding change: c.6908C>T on transcript NM_206933.4 (MANE Select); coding-DNA position 6908, C replaced by T.
Protein change: p.Ser2303Phe; replaces serine 2303 with phenylalanine.
Molecular consequence: missense variant.
Genome position (GRCh38, 1-based): chr1:215,970,674, G>A on the plus strand (C>T on the coding strand, the complement: USH2A is on the minus strand). VCF-style: chr1-215970674-G-A. GRCh37 (hg19) VCF-style: chr1-216144016-G-A.
Other names: short protein forms S2303F.
Identifiers: ClinVar variation 552851 (VCV000552851.8), dbSNP rs766809837, ClinGen allele CA1395003.

ClinVar aggregate classification (germline): Uncertain significance. Review status: criteria provided, multiple submitters, no conflicts (2 of 4 stars). 6 submissions from 5 submitters: Uncertain significance (5). 1 of the submissions does not count toward it. Last evaluated 2026-01-23.

Conditions:
Usher syndrome type 2A. Also called: USHER SYNDROME, TYPE IIA; RETINAL DISEASE IN USHER SYNDROME TYPE IIA, MODIFIER OF. Identifiers: Orphanet 231178, Orphanet 886, MedGen C1848634, MONDO:0010169, OMIM 276901.
Retinitis pigmentosa 39 (RP39). Identifiers: Orphanet 791, MedGen C3151138, MONDO:0013436, OMIM 613809.

Allele frequency attached by ClinVar (database versions not stated): TOPMed 0.00002; gnomAD 0.00001; ExAC 0.00002; gnomAD exomes 0.00004.
gnomAD v4.1: 11 of 1,613,514 alleles (0.00068%); highest among the groups gnomAD compares: East Asian, 0.022%; no homozygotes.

Submissions (6):

GeneDx
Classification: Uncertain significance. Last evaluated: 2026-01-23. Review status: criteria provided, single submitter. Criteria: GeneDx Variant Classification Process June 2021. Collection method: clinical testing. Allele origin: germline.
Comment: Observed in the heterozygous state in a patient with retinitis pigmentosa in published literature (PMID: 25356976); In silico analysis suggests that this missense variant does not alter protein structure/function; This variant is associated with the following publications: (PMID: 32675063, 31964843, 25356976)

Labcorp Genetics (formerly Invitae), Labcorp
Classification: Uncertain significance. Last evaluated: 2025-08-11. Review status: criteria provided, single submitter. Criteria: Invitae Variant Classification Sherloc (09022015). Collection method: clinical testing. Allele origin: germline.
Comment: This sequence change replaces serine, which is neutral and polar, with phenylalanine, which is neutral and non-polar, at codon 2303 of the USH2A protein (p.Ser2303Phe). This variant is present in population databases (rs766809837, gnomAD 0.05%). This missense change has been observed in individual(s) with inherited retinal dystrophy (PMID: 25356976, 32675063). ClinVar contains an entry for this variant (Variation ID: 552851). Invitae Evidence Modeling of protein sequence and biophysical properties (such as structural, functional, and spatial information, amino acid conservation, physicochemical variation, residue mobility, and thermodynamic stability) has been performed for this missense variant. However, the output from this modeling did not meet the statistical confidence thresholds required to predict the impact of this variant on USH2A protein function. In summary, the available evidence is currently insufficient to determine the role of this variant in disease. Therefore, it has been classified as a Variant of Uncertain Significance.

Women's Health and Genetics/Laboratory Corporation of America, LabCorp
Classification: Uncertain significance. Last evaluated: 2024-03-07. Review status: criteria provided, single submitter. Criteria: LabCorp Variant Classification Summary - May 2015. Collection method: clinical testing. Allele origin: germline.
Comment: Variant summary: USH2A c.6908C>T (p.Ser2303Phe) results in a non-conservative amino acid change located in the Fibronectin type III domain (IPR003961) of the encoded protein sequence. Four of five in-silico tools predict a damaging effect of the variant on protein function. The variant allele was found at a frequency of 4e-05 in 251006 control chromosomes (gnomAD). This frequency is not significantly higher than estimated for a pathogenic variant in USH2A causing Usher Syndrome (4e-05 vs 0.011), allowing no conclusion about variant significance. c.6908C>T has been reported in the literature in an individual affected with retinal dystrophy (Huang_2015). This report does not provide unequivocal conclusions about association of the variant with Usher Syndrome. To our knowledge, no experimental evidence demonstrating an impact on protein function has been reported. The following publication has been ascertained in the context of this evaluation (PMID: 25356976). ClinVar contains an entry for this variant (Variation ID: 552851). Based on the evidence outlined above, the variant was classified as uncertain significance.

Genome-Nilou Lab
Classification: Uncertain significance for Retinitis pigmentosa 39. Last evaluated: 2023-11-04. Review status: criteria provided, single submitter. Criteria: ACMG Guidelines, 2015. Collection method: clinical testing. Allele origin: germline. Affected: no.

Genome-Nilou Lab
Classification: Uncertain significance for Usher syndrome type 2A. Last evaluated: 2023-11-04. Review status: criteria provided, single submitter. Criteria: ACMG Guidelines, 2015. Collection method: clinical testing. Allele origin: germline. Affected: no.

Counsyl
Classification: Uncertain significance for Usher syndrome type 2A; Retinitis pigmentosa 39. Last evaluated: 2017-07-12. Review status: no assertion criteria provided. Collection method: clinical testing. Allele origin: unknown. Not counted in ClinVar's aggregate classification.

Literature cited by the submitters: PubMed 25356976 (cited by 3 submitters); PubMed 32675063 (cited by Labcorp Genetics (formerly Invitae), Labcorp).